The following is an entry in ClinVar:

NM_139276.3(STAT3):c.1231T>A (p.Leu411Met)

Gene: STAT3 (signal transducer and activator of transcription 3; minus strand). Cytogenetic location: 17q21.2.
Variant type: single nucleotide variant.
Coding change: c.1231T>A on transcript NM_139276.3 (MANE Select); coding-DNA position 1231, T replaced by A.
Protein change: p.Leu411Met; replaces leucine 411 with methionine.
Molecular consequence: missense variant.
Genome position (GRCh38, 1-based): chr17:42,329,556, A>T on the plus strand (T>A on the coding strand, the complement: STAT3 is on the minus strand). VCF-style: chr17-42329556-A-T. GRCh37 (hg19) VCF-style: chr17-40481574-A-T.
Other names: c.1231T>A, p.Leu411Met (NM_001369512.1, NM_001369513.1, NM_001369514.1 and 12 more transcripts); c.1153T>A, p.Leu385Met (NM_001384985.1); c.1246T>A, p.Leu416Met (NM_001384986.1, NM_001384990.1); c.1135T>A, p.Leu379Met (NM_001384989.1); c.1171T>A, p.Leu391Met (NM_001384992.1); short protein forms L391M, L411M, L379M, L385M, L416M.
Identifiers: ClinVar variation 4992528 (VCV004992528.1).

ClinVar aggregate classification (germline): Uncertain significance (1 of 4 stars; one submission).

Conditions:
STAT3-related disorder. Also called: STAT3-related condition.

Submission:

PreventionGenetics, part of Exact Sciences
Classification: Uncertain significance for STAT3-related condition. Last evaluated: 2026-03-09. Review status: criteria provided, single submitter. Criteria: ACMG Guidelines, 2015. Collection method: clinical testing. Allele origin: germline.
Comment: The STAT3 c.1231T>A variant is predicted to result in the amino acid substitution p.Leu411Met. To our knowledge, this variant has not been reported in the literature or in a large population database (gnomAD), indicating this variant is rare. At this time, the clinical significance of this variant is uncertain due to the absence of conclusive functional and genetic evidence.